The following is an entry in ClinVar:

NM_006282.5(STK4):c.1114G>C (p.Ala372Pro)

Gene: STK4 (serine/threonine kinase 4; plus strand). Cytogenetic location: 20q13.12.
Variant type: single nucleotide variant.
Coding change: c.1114G>C on transcript NM_006282.5 (MANE Select); coding-DNA position 1114, G replaced by C.
Protein change: p.Ala372Pro; replaces alanine 372 with proline.
Molecular consequence: missense variant.
Genome position (GRCh38, 1-based): chr20:45,001,320, G>C. VCF-style: chr20-45001320-G-C. GRCh37 (hg19) VCF-style: chr20-43629961-G-C.
Other names: c.1114G>C, p.Ala372Pro (NM_001352385.2); short protein forms A372P.
Identifiers: ClinVar variation 576354 (VCV000576354.7), dbSNP rs1568709093, ClinGen allele CA409127002.

ClinVar aggregate classification (germline): Uncertain significance (1 of 4 stars; one submission).

Conditions:
Combined immunodeficiency due to STK4 deficiency (IMD110). Also called: STK4 DEFICIENCY; MST1 DEFICIENCY; T-cell immunodeficiency, recurrent infections, and autoimmunity with or without cardiac malformations. Identifiers: Orphanet 314689, MedGen C3553943, MONDO:0013934, OMIM 614868.

Allele frequency attached by ClinVar (database versions not stated): gnomAD exomes below 0.00001; TOPMed below 0.00001.
gnomAD v4.1: 1 of 1,613,682 alleles (0.000062%); highest among the groups gnomAD compares: African/African-American, 0.0013%; no homozygotes.

Submission:

Labcorp Genetics (formerly Invitae), Labcorp
Classification: Uncertain significance for Combined immunodeficiency due to STK4 deficiency. Last evaluated: 2024-10-16. Review status: criteria provided, single submitter. Criteria: Invitae Variant Classification Sherloc (09022015). Collection method: clinical testing. Allele origin: germline.
Comment: This sequence change replaces alanine, which is neutral and non-polar, with proline, which is neutral and non-polar, at codon 372 of the STK4 protein (p.Ala372Pro). This variant is not present in population databases (gnomAD no frequency). This variant has not been reported in the literature in individuals affected with STK4-related conditions. ClinVar contains an entry for this variant (Variation ID: 576354). Invitae Evidence Modeling of protein sequence and biophysical properties (such as structural, functional, and spatial information, amino acid conservation, physicochemical variation, residue mobility, and thermodynamic stability) indicates that this missense variant is not expected to disrupt STK4 protein function with a negative predictive value of 95%. In summary, the available evidence is currently insufficient to determine the role of this variant in disease. Therefore, it has been classified as a Variant of Uncertain Significance.